The following is an entry in ClinVar:

ClinVar aggregate classification (germline): Likely benign. Review status: criteria provided, multiple submitters, no conflicts (2 of 4 stars). 3 submissions from 3 submitters: Likely benign (2). 1 of the submissions does not count toward it. Last evaluated 2025-08-27.

Conditions:
TTC21B-related disorder. Also called: TTC21B-related disorders; TTC21B-related condition.
Asphyxiating thoracic dystrophy 4 (SRTD4). Also called: SHORT-RIB THORACIC DYSPLASIA 4 WITH OR WITHOUT POLYDACTYLY; SHORT-RIB THORACIC DYSPLASIA 4. Identifiers: Orphanet 474, MedGen C3151185, MONDO:0013441, OMIM 613819.
Nephronophthisis 12 (NPHP12). Identifiers: Orphanet 655, MedGen C3151186, MONDO:0013442, OMIM 613820.
Jeune thoracic dystrophy. Also called: Jeune syndrome; Infantile thoracic dystrophy; Thoracic pelvic phalangeal dystrophy; Jeune's syndrome; Chondroectodermal dysplasia-like syndrome; Short-rib thoracic dysplasia. Identifiers: Orphanet 474, MedGen C0265275, MONDO:0018770.
Nephronophthisis. Also called: Juvenile Nephronophthisis. Identifiers: Orphanet 655, MedGen C0687120, MONDO:0019005, HP:0000090.

Allele frequency attached by ClinVar (database versions not stated): gnomAD 0.00001; gnomAD exomes 0.00001 and 0.00004; TOPMed 0.00001; ExAC 0.00005; 1000 Genomes Project 30x 0.00016; 1000 Genomes Project 0.00020.
gnomAD v4.1: 10 of 1,613,498 alleles (0.00062%); highest among the groups gnomAD compares: Admixed American, 0.017%; no homozygotes.

Submissions (3):

Labcorp Genetics (formerly Invitae), Labcorp
Classification: Likely benign for Jeune thoracic dystrophy; Nephronophthisis. Last evaluated: 2025-08-27. Review status: criteria provided, single submitter. Criteria: Invitae Variant Classification Sherloc (09022015). Collection method: clinical testing. Allele origin: germline.

Fulgent Genetics
Classification: Likely benign for Asphyxiating thoracic dystrophy 4; Nephronophthisis 12. Last evaluated: 2021-10-19. Review status: criteria provided, single submitter. Criteria: ACMG Guidelines, 2015. Collection method: clinical testing. Allele origin: unknown.

PreventionGenetics, part of Exact Sciences
Classification: Likely benign for TTC21B-related condition. Last evaluated: 2022-12-22. Review status: no assertion criteria provided. Collection method: clinical testing. Allele origin: germline. Not counted in ClinVar's aggregate classification.
Comment: This variant is classified as likely benign based on ACMG/AMP sequence variant interpretation guidelines (Richards et al. 2015 PMID: 25741868, with internal and published modifications).

NM_024753.5(TTC21B):c.2580A>G (p.Leu860=)

Gene: TTC21B (tetratricopeptide repeat domain 21B; minus strand). Cytogenetic location: 2q24.3.
Variant type: single nucleotide variant.
Coding change: c.2580A>G on transcript NM_024753.5 (MANE Select); coding-DNA position 2580, A replaced by G.
Protein change: p.Leu860=; no amino-acid change (leucine 860 retained).
Molecular consequence: synonymous variant.
Genome position (GRCh38, 1-based): chr2:165,901,899, T>C on the plus strand (A>G on the coding strand, the complement: TTC21B is on the minus strand). VCF-style: chr2-165901899-T-C. GRCh37 (hg19) VCF-style: chr2-166758409-T-C.
Other names: c.2580A>G (NM_024753.4).
Identifiers: ClinVar variation 1531485 (VCV001531485.11), dbSNP rs201563244, ClinGen allele CA1941772.
Genomic context (GRCh38, chr2:165,901,899, plus strand): 5'-TTTCTGTGCAGGAACTGCATCTGGCTGTTCCATCTGAACACGTTTTAGTACCCGAGCTTG[T>C]AATTCTCGAGCCTAGAAAAAATCAGTATAAAAGGGAATAAAAAAAAAAAAGGAAATTAAA-3'
Protein context (NP_079029.3, residues 850-870): AITALQQARE[Leu860=]QARVLKRVQM